The following is an entry in ClinVar:

NM_002291.3(LAMB1):c.3335G>A (p.Arg1112His)

Gene: LAMB1 (laminin subunit beta 1; minus strand). Cytogenetic location: 7q31.1.
Variant type: single nucleotide variant.
Coding change: c.3335G>A on transcript NM_002291.3 (MANE Select); coding-DNA position 3335, G replaced by A.
Protein change: p.Arg1112His; replaces arginine 1112 with histidine.
Molecular consequence: missense variant.
Genome position (GRCh38, 1-based): chr7:107,951,282, C>T on the plus strand (G>A on the coding strand, the complement: LAMB1 is on the minus strand). VCF-style: chr7-107951282-C-T. GRCh37 (hg19) VCF-style: chr7-107591727-C-T.
Other names: short protein forms R1112H.
Identifiers: ClinVar variation 4278573 (VCV004278573.1).

ClinVar aggregate classification (germline): Uncertain significance (1 of 4 stars; one submission).

gnomAD v4.1: 19 of 1,614,042 alleles (0.0012%); highest among the groups gnomAD compares: South Asian, 0.0022%; no homozygotes.

Submission:

GeneDx
Classification: Uncertain significance. Last evaluated: 2025-03-27. Review status: criteria provided, single submitter. Criteria: GeneDx Variant Classification Process June 2021. Collection method: clinical testing. Allele origin: germline. Affected: yes.
Comment: Not observed at significant frequency in large population cohorts (gnomAD); In silico analysis supports that this missense variant has a deleterious effect on protein structure/function; Has not been previously published as pathogenic or benign to our knowledge; This variant is associated with the following publications: (PMID: 23472759)